The following is an entry in ClinVar:

NM_025114.4(CEP290):c.3988G>T (p.Glu1330Ter)

Gene: CEP290 (centrosomal protein 290; minus strand). Cytogenetic location: 12q21.32.
Variant type: single nucleotide variant.
Coding change: c.3988G>T on transcript NM_025114.4 (MANE Select); coding-DNA position 3988, G replaced by T.
Protein change: p.Glu1330Ter; replaces glutamic acid 1330 with a stop codon.
Molecular consequence: nonsense.
Genome position (GRCh38, 1-based): chr12:88,089,073, C>A on the plus strand (G>T on the coding strand, the complement: CEP290 is on the minus strand). VCF-style: chr12-88089073-C-A. GRCh37 (hg19) VCF-style: chr12-88482850-C-A.
Other names: short protein forms E1330*.
Identifiers: ClinVar variation 2680656 (VCV002680656.4), dbSNP rs1285349002, ClinGen allele CA386000189.

ClinVar aggregate classification (germline): Pathogenic/Likely pathogenic. Review status: criteria provided, multiple submitters, no conflicts (2 of 4 stars). 2 submissions from 2 submitters: Pathogenic (1); Likely pathogenic (1). Last evaluated 2023-03-13.

Conditions:
Bardet-Biedl syndrome 14 (BBS14). Identifiers: Orphanet 110, MedGen C2673874, MONDO:0014442, OMIM 615991.
Joubert syndrome. Also called: CEREBELLOPARENCHYMAL DISORDER IV; JOUBERT-BOLTSHAUSER SYNDROME; Familial aplasia of the vermis. Identifiers: Orphanet 475, MedGen C5979921, MONDO:0018772.
Nephronophthisis. Also called: Juvenile Nephronophthisis. Identifiers: Orphanet 655, MedGen C0687120, MONDO:0019005, HP:0000090.
Meckel-Gruber syndrome. Also called: DYSENCEPHALIA SPLANCHNOCYSTICA; GRUBER SYNDROME; Dysencephalia splachnocystica. Identifiers: Orphanet 564, MedGen C0265215, MONDO:0018921.

Submissions (2):

Labcorp Genetics (formerly Invitae), Labcorp
Classification: Pathogenic for Joubert syndrome; Meckel-Gruber syndrome; Nephronophthisis. Last evaluated: 2023-03-13. Review status: criteria provided, single submitter. Criteria: Invitae Variant Classification Sherloc (09022015). Collection method: clinical testing. Allele origin: germline.
Comment: This sequence change creates a premature translational stop signal (p.Glu1330*) in the CEP290 gene. It is expected to result in an absent or disrupted protein product. Loss-of-function variants in CEP290 are known to be pathogenic (PMID: 16909394, 17345604, 20690115). This variant is not present in population databases (gnomAD no frequency). This variant has not been reported in the literature in individuals affected with CEP290-related conditions. For these reasons, this variant has been classified as Pathogenic.

Baylor Genetics
Classification: Likely pathogenic for Bardet-Biedl syndrome 14. Last evaluated: 2022-03-30. Review status: criteria provided, single submitter. Criteria: ACMG Guidelines, 2015. Collection method: clinical testing. Allele origin: unknown.

Literature cited by the submitters: PubMed 16909394 (cited by Labcorp Genetics (formerly Invitae), Labcorp); PubMed 17345604 (cited by Labcorp Genetics (formerly Invitae), Labcorp); PubMed 20690115 (cited by Labcorp Genetics (formerly Invitae), Labcorp).